The following is an entry in ClinVar:

ClinVar aggregate classification (germline): Uncertain significance. Review status: criteria provided, multiple submitters, no conflicts (2 of 4 stars). 4 submissions from 4 submitters: Uncertain significance (4). Last evaluated 2025-10-06.

Conditions:
Hereditary cancer-predisposing syndrome. Also called: Tumor predisposition; Hereditary Cancer Syndrome; Hereditary neoplastic syndrome; Neoplastic Syndromes, Hereditary. Identifiers: Orphanet 140162, MedGen C0027672, MeSH D009386, MONDO:0015356.
Breast-ovarian cancer, familial, susceptibility to, 4. Identifiers: Orphanet 145, MedGen C3280345, MONDO:0013669, OMIM 614291.

Allele frequency attached by ClinVar (database versions not stated): gnomAD exomes below 0.00001.

Submissions (4):

Ambry Genetics
Classification: Uncertain significance for Hereditary cancer-predisposing syndrome. Last evaluated: 2025-10-06. Review status: criteria provided, single submitter. Criteria: Ambry Variant Classification Scheme 2023. Collection method: clinical testing. Allele origin: germline.
Comment: The p.K26R variant (also known as c.77A>G), located in coding exon 1 of the RAD51D gene, results from an A to G substitution at nucleotide position 77. The lysine at codon 26 is replaced by arginine, an amino acid with highly similar properties. This amino acid position is well conserved in available vertebrate species. In addition, this alteration is predicted to be tolerated by in silico analysis. Since supporting evidence is limited at this time, the clinical significance of this alteration remains unclear.

Color Diagnostics, LLC DBA Color Health
Classification: Uncertain significance for Hereditary cancer-predisposing syndrome. Last evaluated: 2024-03-06. Review status: criteria provided, single submitter. Criteria: ACMG Guidelines, 2015. Collection method: clinical testing. Allele origin: germline.
Comment: This missense variant replaces lysine with arginine at codon 26 of the RAD51D protein. Computational prediction suggests that this variant may not impact protein structure and function (internally defined REVEL score threshold <= 0.5, PMID: 27666373). To our knowledge, functional studies have not been reported for this variant. This variant has not been reported in individuals affected with RAD51D-related disorders in the literature. This variant has been identified in 1/246808 chromosomes in the general population by the Genome Aggregation Database (gnomAD). The available evidence is insufficient to determine the role of this variant in disease conclusively. Therefore, this variant is classified as a Variant of Uncertain Significance.

Labcorp Genetics (formerly Invitae), Labcorp
Classification: Uncertain significance for Breast-ovarian cancer, familial, susceptibility to, 4. Last evaluated: 2023-12-08. Review status: criteria provided, single submitter. Criteria: Invitae Variant Classification Sherloc (09022015). Collection method: clinical testing. Allele origin: germline.
Comment: This sequence change replaces lysine, which is basic and polar, with arginine, which is basic and polar, at codon 26 of the RAD51D protein (p.Lys26Arg). The frequency data for this variant in the population databases is considered unreliable, as metrics indicate poor data quality at this position in the gnomAD database. This variant has not been reported in the literature in individuals affected with RAD51D-related conditions. ClinVar contains an entry for this variant (Variation ID: 410565). An algorithm developed to predict the effect of missense changes on protein structure and function (PolyPhen-2) suggests that this variant is likely to be tolerated. In summary, the available evidence is currently insufficient to determine the role of this variant in disease. Therefore, it has been classified as a Variant of Uncertain Significance.

GeneDx
Classification: Uncertain significance. Last evaluated: 2021-10-19. Review status: criteria provided, single submitter. Criteria: GeneDx Variant Classification Process June 2021. Collection method: clinical testing. Allele origin: germline. Affected: yes.
Comment: Not observed at significant frequency in large population cohorts (Lek 2016); In silico analysis supports that this missense variant does not alter protein structure/function; Has not been previously published as pathogenic or benign to our knowledge; This variant is associated with the following publications: (PMID: 21111057, 32980694)

NM_002878.4(RAD51D):c.77A>G (p.Lys26Arg)

Genes: RAD51L3-RFFL (RAD51L3-RFFL readthrough; minus strand), RAD51D (RAD51 paralog D; minus strand). Cytogenetic location: 17q12.
Variant type: single nucleotide variant.
Coding change: c.77A>G on transcript NM_002878.4 (MANE Select); coding-DNA position 77, A replaced by G.
Protein change: p.Lys26Arg; replaces lysine 26 with arginine.
Molecular consequence: missense variant. On other transcripts: non-coding transcript variant (2).
Genome position (GRCh38, 1-based): chr17:35,119,537, T>C on the plus strand (A>G on the coding strand, the complement: RAD51D is on the minus strand). VCF-style: chr17-35119537-T-C. GRCh37 (hg19) VCF-style: chr17-33446556-T-C.
Other names: c.77A>G, p.Lys26Arg (NM_001142571.2, NM_133629.3); short protein forms K26R.
Identifiers: ClinVar variation 410565 (VCV000410565.19), dbSNP rs1060502961, ClinGen allele CA16615619.